The following is an entry in ClinVar:

ClinVar aggregate classification (germline): Uncertain significance. Review status: criteria provided, multiple submitters, no conflicts (2 of 4 stars). 2 submissions from 2 submitters: Uncertain significance (2). Last evaluated 2023-05-16.

Conditions:
Inborn genetic diseases. Identifiers: MedGen C0950123, MeSH D030342.
Rubinstein-Taybi syndrome due to EP300 haploinsufficiency. Also called: EP300-Related Rubinstein-Taybi Syndrome; RUBINSTEIN-TAYBI SYNDROME 2. Identifiers: Orphanet 353284, Orphanet 783, MedGen C3150941, MONDO:0013364, OMIM 613684.

Submissions (2):

Labcorp Genetics (formerly Invitae), Labcorp
Classification: Uncertain significance for Rubinstein-Taybi syndrome due to EP300 haploinsufficiency. Last evaluated: 2023-05-16. Review status: criteria provided, single submitter. Criteria: Invitae Variant Classification Sherloc (09022015). Collection method: clinical testing. Allele origin: germline.
Comment: In summary, the available evidence is currently insufficient to determine the role of this variant in disease. Therefore, it has been classified as a Variant of Uncertain Significance. Experimental studies and prediction algorithms are not available or were not evaluated, and the functional significance of this variant is currently unknown. ClinVar contains an entry for this variant (Variation ID: 521831). This variant has not been reported in the literature in individuals affected with EP300-related conditions. This variant is not present in population databases (gnomAD no frequency). This variant, c.5556_5564del, results in the deletion of 3 amino acid(s) of the EP300 protein (p.Ala1853_Pro1855del), but otherwise preserves the integrity of the reading frame.

Ambry Genetics
Classification: Uncertain significance for Inborn genetic diseases. Last evaluated: 2017-05-25. Review status: criteria provided, single submitter. Criteria: Ambry exome assertion method (8-5-2015). Collection method: clinical testing. Allele origin: germline. Affected: yes. Observed: 1 variant allele.

NM_001429.4(EP300):c.5556_5564del (p.Ala1853_Pro1855del)

Gene: EP300 (EP300 lysine acetyltransferase; plus strand). Cytogenetic location: 22q13.2.
Variant type: Deletion.
Coding change: c.5556_5564del on transcript NM_001429.4 (MANE Select); coding-DNA positions 5556 to 5564, 9 bases deleted (TGCCACTCC; older notation c.5556_5564delTGCCACTCC).
Protein change: p.Ala1853_Pro1855del.
Molecular consequence: inframe deletion.
Genome position (GRCh38, 1-based): chr22:41,177,267-41,177,275, TGCCACTCC deleted; deleting any 9 consecutive bases within chr22:41,177,260-41,177,275 gives the same sequence; the c. name uses the placement nearest the transcript's 3' end. VCF-style (leftmost placement, unchanged base first): chr22-41177259-CCCACTCCTG-C. GRCh37 (hg19) VCF-style: chr22-41573263-CCCACTCCTG-C.
Other names: c.5478_5486del, p.Ala1827_Pro1829del (NM_001362843.2).
Identifiers: ClinVar variation 521831 (VCV000521831.7), dbSNP rs1555912151, ClinGen allele CA658799557.